The following is an entry in ClinVar:

ClinVar aggregate classification (germline): Benign (0 of 4 stars; one submission).

Conditions:
HLA-B-related disorder. Also called: HLA-B-related condition.

Allele frequency attached by ClinVar (database versions not stated): gnomAD 0.43102; ESP Exome Variant Server 0.64774; 1000 Genomes Project 30x 0.65397; 1000 Genomes Project 0.70986.

Submission:

PreventionGenetics, part of Exact Sciences
Classification: Benign for HLA-B-related condition. Last evaluated: 2020-12-17. Review status: no assertion criteria provided. Collection method: clinical testing. Allele origin: germline.
Comment: This variant is classified as benign based on ACMG/AMP sequence variant interpretation guidelines (Richards et al. 2015 PMID: 25741868, with internal and published modifications).

NM_005514.8(HLA-B):c.277G>A (p.Ala93Thr)

Gene: HLA-B (major histocompatibility complex, class I, B; minus strand). Cytogenetic location: 6p21.33.
Variant type: single nucleotide variant.
Coding change: c.277G>A on transcript NM_005514.8 (MANE Select); coding-DNA position 277, G replaced by A.
Protein change: p.Ala93Thr; replaces alanine 93 with threonine.
Molecular consequence: missense variant.
Genome position (GRCh38, 1-based): chr6:31,356,754, C>T on the plus strand (G>A on the coding strand, the complement: HLA-B is on the minus strand). VCF-style: chr6-31356754-C-T. GRCh37 (hg19) VCF-style: chr6-31324531-C-T.
Other names: short protein forms A93T.
Identifiers: ClinVar variation 3061033 (VCV003061033.2), dbSNP rs1131204, ClinGen allele CA3711775.